The following is an entry in ClinVar:

ClinVar aggregate classification (germline): Uncertain significance (1 of 4 stars; one submission).

Conditions:
Joubert syndrome. Also called: CEREBELLOPARENCHYMAL DISORDER IV; JOUBERT-BOLTSHAUSER SYNDROME; Familial aplasia of the vermis. Identifiers: Orphanet 475, MedGen C5979921, MONDO:0018772.
Meckel-Gruber syndrome. Also called: DYSENCEPHALIA SPLANCHNOCYSTICA; GRUBER SYNDROME; Dysencephalia splachnocystica. Identifiers: Orphanet 564, MedGen C0265215, MONDO:0018921.

Allele frequency attached by ClinVar (database versions not stated): gnomAD exomes below 0.00001.
gnomAD v4.1: 3 of 1,583,832 alleles (0.00019%); highest among the groups gnomAD compares: African/African-American, 0.0013%; no homozygotes.

Submission:

Labcorp Genetics (formerly Invitae), Labcorp
Classification: Uncertain significance for Joubert syndrome; Meckel-Gruber syndrome. Last evaluated: 2022-10-12. Review status: criteria provided, single submitter. Criteria: Invitae Variant Classification Sherloc (09022015). Collection method: clinical testing. Allele origin: germline.
Comment: In summary, the available evidence is currently insufficient to determine the role of this variant in disease. Therefore, it has been classified as a Variant of Uncertain Significance. Advanced modeling of protein sequence and biophysical properties (such as structural, functional, and spatial information, amino acid conservation, physicochemical variation, residue mobility, and thermodynamic stability) performed at Invitae indicates that this missense variant is expected to disrupt TCTN2 protein function. This variant has not been reported in the literature in individuals affected with TCTN2-related conditions. This variant is not present in population databases (gnomAD no frequency). This sequence change replaces phenylalanine, which is neutral and non-polar, with isoleucine, which is neutral and non-polar, at codon 422 of the TCTN2 protein (p.Phe422Ile).

NM_024809.5(TCTN2):c.1264T>A (p.Phe422Ile)

Gene: TCTN2 (tectonic family member 2; plus strand). Cytogenetic location: 12q24.31.
Variant type: single nucleotide variant.
Coding change: c.1264T>A on transcript NM_024809.5 (MANE Select); coding-DNA position 1264, T replaced by A.
Protein change: p.Phe422Ile; replaces phenylalanine 422 with isoleucine.
Molecular consequence: missense variant.
Genome position (GRCh38, 1-based): chr12:123,695,249, T>A. VCF-style: chr12-123695249-T-A. GRCh37 (hg19) VCF-style: chr12-124179796-T-A.
Other names: c.1261T>A, p.Phe421Ile (NM_001143850.3); c.1129T>A, p.Phe377Ile (NM_001410989.1); short protein forms F377I, F421I, F422I.
Identifiers: ClinVar variation 2188848 (VCV002188848.4), dbSNP rs2541789298, ClinGen allele CA387142958.